The following is an entry in ClinVar:

NM_005633.4(SOS1):c.563T>C (p.Leu188Ser)

Gene: SOS1 (SOS Ras/Rac guanine nucleotide exchange factor 1; minus strand). Cytogenetic location: 2p22.1.
Variant type: single nucleotide variant.
Coding change: c.563T>C on transcript NM_005633.4 (MANE Select); coding-DNA position 563, T replaced by C.
Protein change: p.Leu188Ser; replaces leucine 188 with serine.
Molecular consequence: missense variant.
Genome position (GRCh38, 1-based): chr2:39,054,771, A>G on the plus strand (T>C on the coding strand, the complement: SOS1 is on the minus strand). VCF-style: chr2-39054771-A-G. GRCh37 (hg19) VCF-style: chr2-39281912-A-G.
Other names: c.542T>C, p.Leu181Ser (NM_001382394.1); c.563T>C, p.Leu188Ser (NM_001382395.1); short protein forms L181S, L188S.
Identifiers: ClinVar variation 2995838 (VCV002995838.5), dbSNP rs967765514, ClinGen allele CA46013333.

ClinVar aggregate classification (germline): Conflicting classifications of pathogenicity. Review status: criteria provided, conflicting classifications (1 of 4 stars). 3 submissions from 3 submitters: Uncertain significance (2); Likely benign (1). Last evaluated 2025-06-24.

Conditions:
Cardiovascular phenotype. Identifiers: MedGen CN230736.
RASopathy. Also called: rasopathies; Noonan spectrum disorder. Identifiers: Orphanet 536391, MedGen C5555857, MONDO:0021060.
Noonan syndrome 4 (NS4). Also called: SOS1-Related Noonan Syndrome; NOONAN SYNDROME WITH PIGMENTED VILLONODULAR SYNOVITIS. Identifiers: Orphanet 648, MedGen C1853120, MONDO:0012547, OMIM 610733.

Allele frequency attached by ClinVar (database versions not stated): gnomAD 0.00001; gnomAD exomes 0.00001; TOPMed 0.00001.
gnomAD v4.1: 12 of 1,579,764 alleles (0.00076%); highest among the groups gnomAD compares: African/African-American, 0.0013%; no homozygotes.

Submissions (3):

Ambry Genetics
Classification: Uncertain significance for Cardiovascular phenotype. Last evaluated: 2025-06-24. Review status: criteria provided, single submitter. Criteria: Ambry Variant Classification Scheme 2023. Collection method: clinical testing. Allele origin: germline.
Comment: The p.L188S variant (also known as c.563T>C), located in coding exon 5 of the SOS1 gene, results from a T to C substitution at nucleotide position 563. The leucine at codon 188 is replaced by serine, an amino acid with dissimilar properties. This amino acid position is well conserved in available vertebrate species. In addition, this alteration is predicted to be deleterious by in silico analysis. Based on the available evidence, the clinical significance of this variant remains unclear.

St. Jude Molecular Pathology, St. Jude Children's Research Hospital
Classification: Uncertain significance for Noonan syndrome 4. Last evaluated: 2025-06-17. Review status: criteria provided, single submitter. Criteria: St. Jude Assertion Criteria 2020. Collection method: clinical testing. Allele origin: germline.
Comment: The SOS1 c.563T>C p.(Leu188Ser) missense change has a maximum subpopulation frequency of 0.0009% in gnomAD v2.1.1. The in silico tool REVEL is inconclusive about a pathogenic or benign effect of this variant on protein function, and to our knowledge functional studies have not been performed. To our knowledge, this variant has not been reported in individuals with Noonan syndrome. In summary, the evidence currently available is insufficient to determine the clinical significance of this variant. It has therefore been classified as of uncertain significance.

Labcorp Genetics (formerly Invitae), Labcorp
Classification: Likely benign for RASopathy. Last evaluated: 2025-04-28. Review status: criteria provided, single submitter. Criteria: Invitae Variant Classification Sherloc (09022015). Collection method: clinical testing. Allele origin: germline.